The following is an entry in ClinVar:

ClinVar aggregate classification (germline): Uncertain significance (1 of 4 stars; one submission).

Allele frequency attached by ClinVar (database versions not stated): gnomAD exomes 0.00001; gnomAD 0.00001; ExAC 0.00001; TOPMed 0.00001.

Submission:

Labcorp Genetics (formerly Invitae), Labcorp
Classification: Uncertain significance. Last evaluated: 2025-07-27. Review status: criteria provided, single submitter. Criteria: Invitae Variant Classification Sherloc (09022015). Collection method: clinical testing. Allele origin: germline.
Comment: This sequence change creates a premature translational stop signal (p.Met689Valfs*2) in the CLCN6 gene. It is expected to result in an absent or disrupted protein product. However, the current clinical and genetic evidence is not sufficient to establish whether loss-of-function variants in CLCN6 cause disease. This variant is present in population databases (rs751904598, gnomAD 0.003%). This variant has not been reported in the literature in individuals affected with CLCN6-related conditions. ClinVar contains an entry for this variant (Variation ID: 2956723). In summary, the available evidence is currently insufficient to determine the role of this variant in disease. Therefore, it has been classified as a Variant of Uncertain Significance.

NM_001286.5(CLCN6):c.2065_2066del (p.Met689fs)

Gene: CLCN6 (Cl-/H+ antiporter 6; plus strand). Cytogenetic location: 1p36.22.
Variant type: Deletion.
Coding change: c.2065_2066del on transcript NM_001286.5 (MANE Select); coding-DNA positions 2065 to 2066, 2 bases deleted (AT; older notation c.2065_2066delAT).
Protein change: p.Met689fs; shifts the reading frame from methionine 689.
Molecular consequence: frameshift variant. On other transcripts: non-coding transcript variant (1).
Genome position (GRCh38, 1-based): chr1:11,837,083-11,837,084, AT deleted. VCF-style (leftmost placement, unchanged base first): chr1-11837082-CAT-C. GRCh37 (hg19) VCF-style: chr1-11897139-CAT-C.
Other names: c.1999_2000del, p.Met667fs (NM_001256959.2); short protein forms M667fs, M689fs.
Identifiers: ClinVar variation 2956723 (VCV002956723.3), dbSNP rs751904598, ClinGen allele CA596706.